The following is an entry in ClinVar:

ClinVar aggregate classification (germline): Uncertain significance (1 of 4 stars; one submission).

Conditions:
Polyglandular autoimmune syndrome, type 1 (APS1). Also called: Autoimmune polyendocrinopathy syndrome, type I; HYPOADRENOCORTICISM WITH HYPOPARATHYROIDISM AND SUPERFICIAL MONILIASIS; PGA I; Autoimmune polyendocrine syndrome type 1; Autoimmune polyendocrinopathy syndrome , type I, with or without reversible metaphyseal dysplasia; AUTOIMMUNE POLYENDOCRINE SYNDROME, TYPE I, WITH OR WITHOUT REVERSIBLE METAPHYSEAL DYSPLASIA. Identifiers: Orphanet 3453, MedGen C0085859, MONDO:0009411, OMIM 240300.

Submission:

Labcorp Genetics (formerly Invitae), Labcorp
Classification: Uncertain significance for Polyglandular autoimmune syndrome, type 1. Last evaluated: 2024-10-03. Review status: criteria provided, single submitter. Criteria: Invitae Variant Classification Sherloc (09022015). Collection method: clinical testing. Allele origin: germline.
Comment: This sequence change replaces glutamic acid, which is acidic and polar, with alanine, which is neutral and non-polar, at codon 17 of the AIRE protein (p.Glu17Ala). This variant is not present in population databases (gnomAD no frequency). This variant has not been reported in the literature in individuals affected with AIRE-related conditions. Invitae Evidence Modeling of protein sequence and biophysical properties (such as structural, functional, and spatial information, amino acid conservation, physicochemical variation, residue mobility, and thermodynamic stability) has been performed for this missense variant. However, the output from this modeling did not meet the statistical confidence thresholds required to predict the impact of this variant on AIRE protein function. In summary, the available evidence is currently insufficient to determine the role of this variant in disease. Therefore, it has been classified as a Variant of Uncertain Significance.

NM_000383.4(AIRE):c.50A>C (p.Glu17Ala)

Gene: AIRE (autoimmune regulator; plus strand). Cytogenetic location: 21q22.3.
Variant type: single nucleotide variant.
Coding change: c.50A>C on transcript NM_000383.4 (MANE Select); coding-DNA position 50, A replaced by C.
Protein change: p.Glu17Ala; replaces glutamic acid 17 with alanine.
Molecular consequence: missense variant.
Genome position (GRCh38, 1-based): chr21:44,286,056, A>C. VCF-style: chr21-44286056-A-C. GRCh37 (hg19) VCF-style: chr21-45705939-A-C.
Other names: short protein forms E17A.
Identifiers: ClinVar variation 3671909 (VCV003671909.2).